The following is an entry in ClinVar:

NM_017654.4(SAMD9):c.3734A>G (p.Glu1245Gly)

Gene: SAMD9 (sterile alpha motif domain containing 9; minus strand). Cytogenetic location: 7q21.2.
Variant type: single nucleotide variant.
Coding change: c.3734A>G on transcript NM_017654.4 (MANE Select); coding-DNA position 3734, A replaced by G.
Protein change: p.Glu1245Gly; replaces glutamic acid 1245 with glycine.
Molecular consequence: missense variant.
Genome position (GRCh38, 1-based): chr7:93,102,364, T>C on the plus strand (A>G on the coding strand, the complement: SAMD9 is on the minus strand). VCF-style: chr7-93102364-T-C. GRCh37 (hg19) VCF-style: chr7-92731677-T-C.
Other names: c.3734A>G (NM_017654.3); c.3734A>G, p.Glu1245Gly (NM_001193307.2); short protein forms E1245G.
Identifiers: ClinVar variation 1404402 (VCV001404402.9), dbSNP rs765379128, ClinGen allele CA4342645.
Genomic context (GRCh38, chr7:93,102,364, plus strand): 5'-TTCAAAGAAAATTTCAATTTAGTTAAATAAGGAATATAGTTTTTGAGGGCTAATTTATAT[T>C]CATTGTTTGGATCCCCTGGAATATCACTACTTCCTGATACAAAATTGACCATATATCTTT-3'
Protein context (NP_060124.2, residues 1235-1255): SSDIPGDPNN[Glu1245Gly]YKLALKNYIP

ClinVar aggregate classification (germline): Uncertain significance. Review status: criteria provided, multiple submitters, no conflicts (2 of 4 stars). 3 submissions from 3 submitters: Uncertain significance (3). Last evaluated 2025-11-22.

Conditions:
Inborn genetic diseases. Identifiers: MedGen C0950123, MeSH D030342.
SAMD9-related disorder. Also called: SAMD9-related condition.

Allele frequency attached by ClinVar (database versions not stated): gnomAD 0.00001; TOPMed 0.00001; ExAC 0.00003; gnomAD exomes 0.00003.

Submissions (3):

Labcorp Genetics (formerly Invitae), Labcorp
Classification: Uncertain significance. Last evaluated: 2025-11-22. Review status: criteria provided, single submitter. Criteria: Invitae Variant Classification Sherloc (09022015). Collection method: clinical testing. Allele origin: germline.
Comment: This sequence change replaces glutamic acid, which is acidic and polar, with glycine, which is neutral and non-polar, at codon 1245 of the SAMD9 protein (p.Glu1245Gly). This variant is present in population databases (rs765379128, gnomAD 0.006%). This variant has not been reported in the literature in individuals affected with SAMD9-related conditions. ClinVar contains an entry for this variant (Variation ID: 1404402). Invitae Evidence Modeling of protein sequence and biophysical properties (such as structural, functional, and spatial information, amino acid conservation, physicochemical variation, residue mobility, and thermodynamic stability) indicates that this missense variant is not expected to disrupt SAMD9 protein function with a negative predictive value of 95%. In summary, the available evidence is currently insufficient to determine the role of this variant in disease. Therefore, it has been classified as a Variant of Uncertain Significance.

Ambry Genetics
Classification: Uncertain significance for Inborn genetic diseases. Last evaluated: 2024-12-08. Review status: criteria provided, single submitter. Criteria: Ambry Variant Classification Scheme 2023. Collection method: clinical testing. Allele origin: germline.
Comment: The p.E1245G variant (also known as c.3734A>G), located in coding exon 1 of the SAMD9 gene, results from an A to G substitution at nucleotide position 3734. The glutamic acid at codon 1245 is replaced by glycine, an amino acid with similar properties. This amino acid position is conserved. In addition, this alteration is predicted to be tolerated by in silico analysis. Based on the available evidence, the clinical significance of this variant remains unclear.

PreventionGenetics, part of Exact Sciences
Classification: Uncertain significance for SAMD9-related condition. Last evaluated: 2022-12-20. Review status: criteria provided, single submitter. Criteria: ACMG Guidelines, 2015. Collection method: clinical testing. Allele origin: germline.
Comment: The SAMD9 c.3734A>G variant is predicted to result in the amino acid substitution p.Glu1245Gly. To our knowledge, this variant has not been reported in the literature. This variant is reported in 0.0055% of alleles in individuals of European (Non-Finnish) descent in gnomAD. At this time, the clinical significance of this variant is uncertain due to the absence of conclusive functional and genetic evidence.